The following is an entry in ClinVar:

ClinVar aggregate classification (germline): Uncertain significance (1 of 4 stars; one submission).

gnomAD v4.1: 1 of 1,614,158 alleles (0.000062%); highest among the groups gnomAD compares: Admixed American, 0.0017%; no homozygotes.

Submission:

Ambry Genetics
Classification: Uncertain significance. Last evaluated: 2025-11-26. Review status: criteria provided, single submitter. Criteria: Ambry Variant Classification Scheme 2023. Collection method: clinical testing. Allele origin: germline.
Comment: The p.Q130H variant (also known as c.390G>C), located in coding exon 3 of the GEN1 gene, results from a G to C substitution at nucleotide position 390. The glutamine at codon 130 is replaced by histidine, an amino acid with highly similar properties. This amino acid position is conserved. In addition, this alteration is predicted to be tolerated by in silico analysis. Based on the available evidence, the clinical significance of this variant remains unclear.

NM_001130009.3(GEN1):c.390G>C (p.Gln130His)

Gene: GEN1 (GEN1 structure-specific endonuclease; plus strand). Cytogenetic location: 2p24.2.
Variant type: single nucleotide variant.
Coding change: c.390G>C on transcript NM_001130009.3 (MANE Select); coding-DNA position 390, G replaced by C.
Protein change: p.Gln130His; replaces glutamine 130 with histidine.
Molecular consequence: missense variant.
Genome position (GRCh38, 1-based): chr2:17,764,938, G>C. VCF-style: chr2-17764938-G-C. GRCh37 (hg19) VCF-style: chr2-17946205-G-C.
Other names: c.390G>C, p.Gln130His (NM_182625.5); short protein forms Q130H.
Identifiers: ClinVar variation 4671516 (VCV004671516.1).